The following is an entry in ClinVar:

ClinVar aggregate classification (germline): Pathogenic (1 of 4 stars; one submission).

Conditions:
Mitochondrial complex II deficiency, nuclear type 1. Also called: SUCCINATE CoQ REDUCTASE DEFICIENCY. Identifiers: Orphanet 3208, MedGen C5700310, MONDO:0100294, OMIM 252011.
Pheochromocytoma/paraganglioma syndrome 5. Also called: Paragangliomas 5; SDHA-Related Hereditary Paraganglioma-Pheochromocytoma Syndrome. Identifiers: Orphanet 29072, MedGen C3279992, MONDO:0013602, OMIM 614165.

Submission:

Labcorp Genetics (formerly Invitae), Labcorp
Classification: Pathogenic for Pheochromocytoma/paraganglioma syndrome 5; Mitochondrial complex II deficiency, nuclear type 1. Last evaluated: 2024-04-10. Review status: criteria provided, single submitter. Criteria: Invitae Variant Classification Sherloc (09022015). Collection method: clinical testing. Allele origin: germline.
Comment: This sequence change creates a premature translational stop signal (p.Ser492Argfs*7) in the SDHA gene. It is expected to result in an absent or disrupted protein product. Loss-of-function variants in SDHA are known to be pathogenic (PMID: 22974104, 24781757). This variant is not present in population databases (gnomAD no frequency). This variant has not been reported in the literature in individuals affected with SDHA-related conditions. ClinVar contains an entry for this variant (Variation ID: 1442909). For these reasons, this variant has been classified as Pathogenic.

Literature cited by the submitters: PubMed 22974104; PubMed 24781757.

NM_004168.4(SDHA):c.1470_1473dup (p.Ser492fs)

Gene: SDHA (succinate dehydrogenase complex flavoprotein subunit A; plus strand). Cytogenetic location: 5p15.33.
Variant type: Duplication.
Coding change: c.1470_1473dup on transcript NM_004168.4 (MANE Select); coding-DNA positions 1470 to 1473, 4 bases duplicated (AGAA; older notation c.1470_1473dupAGAA).
Protein change: p.Ser492fs; shifts the reading frame from serine 492.
Molecular consequence: frameshift variant.
Genome position (GRCh38, 1-based): chr5:240,395-240,398, AGAA duplicated; duplicating any 4 consecutive bases within chr5:240,394-240,398 gives the same sequence; the c. name uses the placement nearest the transcript's 3' end. VCF-style (leftmost placement, unchanged base first): chr5-240393-G-GAAGA. GRCh37 (hg19) VCF-style: chr5-240508-G-GAAGA.
Other names: c.1326_1329dup, p.Ser444fs (NM_001294332.2); c.1470_1473dup, p.Ser492fs (NM_001330758.2); short protein forms S444fs, S492fs.
Identifiers: ClinVar variation 1442909 (VCV001442909.6), dbSNP rs2126602655, ClinGen allele CA2573139542.